The following is an entry in ClinVar:

NM_015909.4(NBAS):c.6097C>T (p.Pro2033Ser)

Gene: NBAS (NBAS subunit of NRZ tethering complex; minus strand). Cytogenetic location: 2p24.3.
Variant type: single nucleotide variant.
Coding change: c.6097C>T on transcript NM_015909.4 (MANE Select); coding-DNA position 6097, C replaced by T.
Protein change: p.Pro2033Ser; replaces proline 2033 with serine.
Molecular consequence: missense variant. On other transcripts: non-coding transcript variant (1).
Genome position (GRCh38, 1-based): chr2:15,234,594, G>A on the plus strand (C>T on the coding strand, the complement: NBAS is on the minus strand). VCF-style: chr2-15234594-G-A. GRCh37 (hg19) VCF-style: chr2-15374718-G-A.
Other names: short protein forms P2033S.
Identifiers: ClinVar variation 2078982 (VCV002078982.4), dbSNP rs1331347933, ClinGen allele CA345888384.
Genomic context (GRCh38, chr2:15,234,594, plus strand): 5'-TTCTAGCTTACCTCAATGCAGAAATTATTTTCATGATTGCACTCTGCACTATATCCTTGG[G>A]TGAGATGTCAAGAGGGCCAACTGCCACCTCTAGCAGCTGCTGAATCATTGCTAGAGGCTG-3'
Protein context (NP_056993.2, residues 2023-2043): EVAVGPLDIS[Pro2033Ser]KDIVQSAIMK

ClinVar aggregate classification (germline): Uncertain significance (1 of 4 stars; one submission).

Allele frequency attached by ClinVar (database versions not stated): TOPMed below 0.00001.
gnomAD v4.1: 1 of 1,614,098 alleles (0.000062%); highest among the groups gnomAD compares: Non-Finnish European, 0.000085%; no homozygotes.

Submission:

Labcorp Genetics (formerly Invitae), Labcorp
Classification: Uncertain significance. Last evaluated: 2022-06-13. Review status: criteria provided, single submitter. Criteria: Invitae Variant Classification Sherloc (09022015). Collection method: clinical testing. Allele origin: germline.
Comment: Algorithms developed to predict the effect of missense changes on protein structure and function are either unavailable or do not agree on the potential impact of this missense change (SIFT: "Deleterious"; PolyPhen-2: "Benign"; Align-GVGD: "Class C65"). In summary, the available evidence is currently insufficient to determine the role of this variant in disease. Therefore, it has been classified as a Variant of Uncertain Significance. This variant has not been reported in the literature in individuals affected with NBAS-related conditions. This variant is not present in population databases (gnomAD no frequency). This sequence change replaces proline, which is neutral and non-polar, with serine, which is neutral and polar, at codon 2033 of the NBAS protein (p.Pro2033Ser).